The following is an entry in ClinVar:

NM_000526.5(KRT14):c.927+1G>A

Gene: KRT14 (keratin 14; minus strand). Cytogenetic location: 17q21.2.
Variant type: single nucleotide variant.
Coding change: c.927+1G>A on transcript NM_000526.5 (MANE Select); the canonical splice donor site of the intron after coding-DNA position 927, G replaced by A.
Molecular consequence: splice donor variant.
Genome position (GRCh38, 1-based): chr17:41,583,759, C>T on the plus strand (G>A on the coding strand, the complement: KRT14 is on the minus strand). VCF-style: chr17-41583759-C-T. GRCh37 (hg19) VCF-style: chr17-39740011-C-T.
Identifiers: ClinVar variation 66383 (VCV000066383.8), dbSNP rs113582618, ClinGen allele CA216992.

ClinVar aggregate classification (germline): Pathogenic. Review status: criteria provided, multiple submitters, no conflicts (2 of 4 stars). 4 submissions from 4 submitters: Pathogenic (3). 1 of the submissions does not count toward it. Last evaluated 2026-06-03.

Conditions:
Epidermolysis bullosa simplex. Also called: Epidermolysis bullosa simplex, Weber-Cockayne type (subtype); Epidermolysis bullosa simplex, Dowling-Meara type (subtype); Epidermolysis bullosa simplex with mottled pigmentation (subtype). Identifiers: Orphanet 304, MedGen C0079298, MONDO:0017610.

Allele frequency attached by ClinVar (database versions not stated): TOPMed below 0.00001.

Submissions (4):

Institute of Medical Genetics and Applied Genomics, University Hospital Tübingen
Classification: Pathogenic for Epidermolysis bullosa simplex. Last evaluated: 2026-06-03. Review status: criteria provided, single submitter. Criteria: ACMG Guidelines, 2015. Collection method: clinical testing. Allele origin: de novo. Inheritance: Autosomal dominant inheritance. Affected: yes.

Labcorp Genetics (formerly Invitae), Labcorp
Classification: Pathogenic. Last evaluated: 2024-09-17. Review status: criteria provided, single submitter. Criteria: Invitae Variant Classification Sherloc (09022015). Collection method: clinical testing. Allele origin: germline.
Comment: This sequence change affects a donor splice site in intron 4 of the KRT14 gene. It is expected to disrupt RNA splicing. Variants that disrupt the donor or acceptor splice site typically lead to a loss of protein function (PMID: 16199547), and loss-of-function variants in KRT14 are known to be pathogenic (PMID: 16614722, 27283507, 29130490). This variant is not present in population databases (gnomAD no frequency). Disruption of this splice site has been observed in individuals with autosomal dominant epidermolysis bullosa simplex (PMID: 12655565, 16792776, 36430820). It has also been observed to segregate with disease in related individuals. This variant is also known as IVS4+1G>A. ClinVar contains an entry for this variant (Variation ID: 66383). Algorithms developed to predict the effect of sequence changes on RNA splicing suggest that this variant may disrupt the consensus splice site. For these reasons, this variant has been classified as Pathogenic.

GeneDx
Classification: Pathogenic. Last evaluated: 2023-03-29. Review status: criteria provided, single submitter. Criteria: GeneDx Variant Classification Process June 2021. Collection method: clinical testing. Allele origin: germline. Affected: yes.
Comment: Canonical splice site variant expected to result in aberrant splicing; functional studies suggest a damaging effect due to a deletion of 6 amino acids located in the critical L2 and 2B domains outside the helix termination motif, which is predicted to critically alter the protein (Han et al., 2006); In addition, in silico predictors suggest the missense change may have a deleterious effect on protein structure/function; Not observed at significant frequency in large population cohorts (gnomAD); This variant is associated with the following publications: (PMID: 16792776, 25525159, 21375516, 12655565)

Epithelial Biology;  Institute of Medical Biology, Singapore
No classification provided. Review status: no classification provided. Collection method: not provided. Allele origin: not provided. Not counted in ClinVar's aggregate classification.

Literature cited by the submitters: PubMed 16199547 (cited by Labcorp Genetics (formerly Invitae), Labcorp); PubMed 16614722 (cited by Labcorp Genetics (formerly Invitae), Labcorp); PubMed 27283507 (cited by Labcorp Genetics (formerly Invitae), Labcorp); PubMed 29130490 (cited by Labcorp Genetics (formerly Invitae), Labcorp); PubMed 12655565 (cited by Labcorp Genetics (formerly Invitae), Labcorp); PubMed 16792776 (cited by Labcorp Genetics (formerly Invitae), Labcorp); PubMed 36430820 (cited by Labcorp Genetics (formerly Invitae), Labcorp).